The following is an entry in ClinVar:

NM_000399.5(EGR2):c.1072A>T (p.Thr358Ser)

Gene: EGR2 (early growth response 2; minus strand). Cytogenetic location: 10q21.3.
Variant type: single nucleotide variant.
Coding change: c.1072A>T on transcript NM_000399.5 (MANE Select); coding-DNA position 1072, A replaced by T.
Protein change: p.Thr358Ser; replaces threonine 358 with serine.
Molecular consequence: missense variant.
Genome position (GRCh38, 1-based): chr10:62,813,566, T>A on the plus strand (A>T on the coding strand, the complement: EGR2 is on the minus strand). VCF-style: chr10-62813566-T-A. GRCh37 (hg19) VCF-style: chr10-64573326-T-A.
Other names: c.1072A>T, p.Thr358Ser (NM_001136177.3, NM_001136178.2); c.922A>T, p.Thr308Ser (NM_001136179.3, NM_001321037.2); c.1111A>T, p.Thr371Ser (NM_001410931.1); short protein forms T358S, T371S, T308S.
Identifiers: ClinVar variation 2148133 (VCV002148133.4), dbSNP rs1842172873, ClinGen allele CA377027850.

ClinVar aggregate classification (germline): Uncertain significance (1 of 4 stars; one submission).

Conditions:
Charcot-Marie-Tooth disease, type I (CMT1). Also called: Charcot-Marie-Tooth, Type 1; Charcot-Marie-Tooth disease type 1. Identifiers: Orphanet 65753, MedGen C0751036, MONDO:0019011.

Allele frequency attached by ClinVar (database versions not stated): gnomAD 0.00001; gnomAD exomes 0.00001; TOPMed 0.00001.
gnomAD v4.1: 6 of 1,612,910 alleles (0.00037%); highest among the groups gnomAD compares: Non-Finnish European, 0.00042%; no homozygotes.

Submission:

Labcorp Genetics (formerly Invitae), Labcorp
Classification: Uncertain significance for Charcot-Marie-Tooth disease, type I. Last evaluated: 2023-01-14. Review status: criteria provided, single submitter. Criteria: Invitae Variant Classification Sherloc (09022015). Collection method: clinical testing. Allele origin: germline.
Comment: This variant has not been reported in the literature in individuals affected with EGR2-related conditions. This variant is not present in population databases (gnomAD no frequency). This sequence change replaces threonine, which is neutral and polar, with serine, which is neutral and polar, at codon 358 of the EGR2 protein (p.Thr358Ser). In summary, the available evidence is currently insufficient to determine the role of this variant in disease. Therefore, it has been classified as a Variant of Uncertain Significance. Advanced modeling of protein sequence and biophysical properties (such as structural, functional, and spatial information, amino acid conservation, physicochemical variation, residue mobility, and thermodynamic stability) performed at Invitae indicates that this missense variant is not expected to disrupt EGR2 protein function.